The following is an entry in ClinVar:

ClinVar aggregate classification (germline): Uncertain significance (1 of 4 stars; one submission).

Allele frequency attached by ClinVar (database versions not stated): ExAC 0.00001; gnomAD exomes 0.00002 and 0.00007; TOPMed 0.00005; gnomAD 0.00006.
gnomAD v4.1: 117 of 1,586,268 alleles (0.0074%); highest among the groups gnomAD compares: Non-Finnish European, 0.0094%; no homozygotes.

Submission:

Labcorp Genetics (formerly Invitae), Labcorp
Classification: Uncertain significance. Last evaluated: 2025-01-07. Review status: criteria provided, single submitter. Criteria: Invitae Variant Classification Sherloc (09022015). Collection method: clinical testing. Allele origin: germline.
Comment: This sequence change replaces valine with leucine at codon 250 of the SERPINF1 protein (p.Val250Leu). The valine residue is weakly conserved and there is a small physicochemical difference between valine and leucine. This variant is present in population databases (rs754095106, gnomAD 0.006%). This variant has not been reported in the literature in individuals affected with SERPINF1-related conditions. ClinVar contains an entry for this variant (Variation ID: 1357062). Invitae Evidence Modeling of protein sequence and biophysical properties (such as structural, functional, and spatial information, amino acid conservation, physicochemical variation, residue mobility, and thermodynamic stability) indicates that this missense variant is not expected to disrupt SERPINF1 protein function with a negative predictive value of 80%. In summary, the available evidence is currently insufficient to determine the role of this variant in disease. Therefore, it has been classified as a Variant of Uncertain Significance.

NM_002615.7(SERPINF1):c.748G>C (p.Val250Leu)

Gene: SERPINF1 (serpin family F member 1; plus strand). Cytogenetic location: 17p13.3.
Variant type: single nucleotide variant.
Coding change: c.748G>C on transcript NM_002615.7 (MANE Select); coding-DNA position 748, G replaced by C.
Protein change: p.Val250Leu; replaces valine 250 with leucine.
Molecular consequence: missense variant.
Genome position (GRCh38, 1-based): chr17:1,775,162, G>C. VCF-style: chr17-1775162-G-C. GRCh37 (hg19) VCF-style: chr17-1678456-G-C.
Other names: c.748G>C, p.Val250Leu (NM_001329903.2); c.187G>C, p.Val63Leu (NM_001329904.2, NM_001329905.2); short protein forms V250L, V63L.
Identifiers: ClinVar variation 1357062 (VCV001357062.5), dbSNP rs754095106, ClinGen allele CA8274819.